The following is an entry in ClinVar:

ClinVar aggregate classification (germline): Uncertain significance. Review status: criteria provided, multiple submitters, no conflicts (2 of 4 stars). 2 submissions from 2 submitters: Uncertain significance (2). Last evaluated 2025-05-17.

Conditions:
Inborn genetic diseases. Identifiers: MedGen C0950123, MeSH D030342.
Ethylmalonic encephalopathy (EE). Also called: EPEMA syndrome; Encephalopathy, petechiae, and ethylmalonic aciduria; Syndrome of encephalopathy, petechiae, and ethylmalonic aciduria. Identifiers: Orphanet 51188, MedGen C1865349, MONDO:0011229, OMIM 602473. Disease mechanism: loss of function.

Allele frequency attached by ClinVar (database versions not stated): gnomAD exomes below 0.00001.
gnomAD v4.1: 1 of 1,614,102 alleles (0.000062%); highest among the groups gnomAD compares: Non-Finnish European, 0.000085%; no homozygotes.

Submissions (2):

Ambry Genetics
Classification: Uncertain significance for Inborn genetic diseases. Last evaluated: 2025-05-17. Review status: criteria provided, single submitter. Criteria: Ambry Variant Classification Scheme 2023. Collection method: clinical testing. Allele origin: germline.

MGZ Medical Genetics Center
Classification: Uncertain significance for Ethylmalonic encephalopathy. Last evaluated: 2022-08-17. Review status: criteria provided, single submitter. Criteria: ACMG Guidelines, 2015. Collection method: clinical testing. Allele origin: germline. Affected: yes. Observed: 1 variant allele.
Comment: ACMG criteria applied: PM3, PM2_SUP, PP2, PP3

NM_014297.5(ETHE1):c.622G>A (p.Glu208Lys)

Gene: ETHE1 (ETHE1 persulfide dioxygenase; minus strand). Cytogenetic location: 19q13.31.
Variant type: single nucleotide variant.
Coding change: c.622G>A on transcript NM_014297.5 (MANE Select); coding-DNA position 622, G replaced by A.
Protein change: p.Glu208Lys; replaces glutamic acid 208 with lysine.
Molecular consequence: missense variant.
Genome position (GRCh38, 1-based): chr19:43,508,034, C>T on the plus strand (G>A on the coding strand, the complement: ETHE1 is on the minus strand). VCF-style: chr19-43508034-C-T. GRCh37 (hg19) VCF-style: chr19-44012186-C-T.
Other names: c.589G>A, p.Glu197Lys (NM_001320867.2); c.253G>A, p.Glu85Lys (NM_001320868.2); c.328G>A, p.Glu110Lys (NM_001320869.2); c.622G>A (NM_014297.3); short protein forms E110K, E197K, E208K, E85K.
Identifiers: ClinVar variation 1709780 (VCV001709780.3), dbSNP rs2145977394, ClinGen allele CA406175025.